The following is an entry in ClinVar:

ClinVar aggregate classification (germline): Uncertain significance. Review status: criteria provided, multiple submitters, no conflicts (2 of 4 stars). 3 submissions from 3 submitters: Uncertain significance (3). Last evaluated 2025-11-11.

Conditions:
Inborn genetic diseases. Identifiers: MedGen C0950123, MeSH D030342.
NPHP4-related disorder. Also called: NPHP4-related condition; NPHP4-related disorders. Identifiers: MedGen CN239384.
Nephronophthisis. Also called: Juvenile Nephronophthisis. Identifiers: Orphanet 655, MedGen C0687120, MONDO:0019005, HP:0000090.

Allele frequency attached by ClinVar (database versions not stated): TOPMed 0.00002; gnomAD 0.00003; ExAC 0.00008; gnomAD exomes 0.00010.

Submissions (3):

PreventionGenetics, part of Exact Sciences
Classification: Uncertain significance for NPHP4-related condition. Last evaluated: 2025-11-11. Review status: criteria provided, single submitter. Criteria: ACMG Guidelines, 2015. Collection method: clinical testing. Allele origin: germline.
Comment: The NPHP4 c.2020C>T variant is predicted to result in the amino acid substitution p.Arg674Cys. To our knowledge, this variant has not been reported in the literature. This variant is reported in 0.045% of alleles in individuals of Latino descent in gnomAD. At this time, the clinical significance of this variant is uncertain due to the absence of conclusive functional and genetic evidence.

Ambry Genetics
Classification: Uncertain significance for Inborn genetic diseases. Last evaluated: 2025-08-11. Review status: criteria provided, single submitter. Criteria: Ambry Variant Classification Scheme 2023. Collection method: clinical testing. Allele origin: germline.

Labcorp Genetics (formerly Invitae), Labcorp
Classification: Uncertain significance for Nephronophthisis. Last evaluated: 2024-11-18. Review status: criteria provided, single submitter. Criteria: Invitae Variant Classification Sherloc (09022015). Collection method: clinical testing. Allele origin: germline.
Comment: This sequence change replaces arginine, which is basic and polar, with cysteine, which is neutral and slightly polar, at codon 674 of the NPHP4 protein (p.Arg674Cys). This variant is present in population databases (rs748042945, gnomAD 0.04%). This variant has not been reported in the literature in individuals affected with NPHP4-related conditions. ClinVar contains an entry for this variant (Variation ID: 837610). Invitae Evidence Modeling of protein sequence and biophysical properties (such as structural, functional, and spatial information, amino acid conservation, physicochemical variation, residue mobility, and thermodynamic stability) indicates that this missense variant is expected to disrupt NPHP4 protein function with a positive predictive value of 80%. In summary, the available evidence is currently insufficient to determine the role of this variant in disease. Therefore, it has been classified as a Variant of Uncertain Significance.

NM_015102.5(NPHP4):c.2020C>T (p.Arg674Cys)

Gene: NPHP4 (nephrocystin 4; minus strand). Cytogenetic location: 1p36.31.
Variant type: single nucleotide variant.
Coding change: c.2020C>T on transcript NM_015102.5 (MANE Select); coding-DNA position 2020, C replaced by T.
Protein change: p.Arg674Cys; replaces arginine 674 with cysteine.
Molecular consequence: missense variant. On other transcripts: non-coding transcript variant (1).
Genome position (GRCh38, 1-based): chr1:5,904,740, G>A on the plus strand (C>T on the coding strand, the complement: NPHP4 is on the minus strand). VCF-style: chr1-5904740-G-A. GRCh37 (hg19) VCF-style: chr1-5964800-G-A.
Other names: c.481C>T, p.Arg161Cys (NM_001291593.2); c.484C>T, p.Arg162Cys (NM_001291594.2); c.2020C>T (NM_015102.3); short protein forms R161C, R162C, R674C.
Identifiers: ClinVar variation 837610 (VCV000837610.13), dbSNP rs748042945, ClinGen allele CA554301.